The following is an entry in ClinVar:

NM_005876.5(SPEG):c.4006G>T (p.Val1336Phe)

Gene: SPEG (striated muscle enriched protein kinase; plus strand). Cytogenetic location: 2q35.
Variant type: single nucleotide variant.
Coding change: c.4006G>T on transcript NM_005876.5 (MANE Select); coding-DNA position 4006, G replaced by T.
Protein change: p.Val1336Phe; replaces valine 1336 with phenylalanine.
Molecular consequence: missense variant.
Genome position (GRCh38, 1-based): chr2:219,472,955, G>T. VCF-style: chr2-219472955-G-T. GRCh37 (hg19) VCF-style: chr2-220337677-G-T.
Other names: short protein forms V1336F.
Identifiers: ClinVar variation 1998871 (VCV001998871.4), dbSNP rs2545817503, ClinGen allele CA350752837.

ClinVar aggregate classification (germline): Uncertain significance (1 of 4 stars; one submission).

Submission:

Labcorp Genetics (formerly Invitae), Labcorp
Classification: Uncertain significance. Last evaluated: 2022-05-26. Review status: criteria provided, single submitter. Criteria: Invitae Variant Classification Sherloc (09022015). Collection method: clinical testing. Allele origin: germline.
Comment: In summary, the available evidence is currently insufficient to determine the role of this variant in disease. Therefore, it has been classified as a Variant of Uncertain Significance. Algorithms developed to predict the effect of sequence changes on RNA splicing suggest that this variant may create or strengthen a splice site. Algorithms developed to predict the effect of missense changes on protein structure and function are either unavailable or do not agree on the potential impact of this missense change (SIFT: "Deleterious"; PolyPhen-2: "Benign"; Align-GVGD: "Class C0"). This variant has not been reported in the literature in individuals affected with SPEG-related conditions. This variant is not present in population databases (gnomAD no frequency). This sequence change replaces valine, which is neutral and non-polar, with phenylalanine, which is neutral and non-polar, at codon 1336 of the SPEG protein (p.Val1336Phe).